The following is an entry in ClinVar:

ClinVar aggregate classification (germline): Benign (0 of 4 stars; one submission).

Conditions:
CARD10-related disorder. Also called: CARD10-related condition.

Allele frequency attached by ClinVar (database versions not stated): ESP Exome Variant Server 0.07346; TOPMed 0.09236; gnomAD 0.09263; gnomAD exomes 0.10912; 1000 Genomes Project 30x 0.12430; 1000 Genomes Project 0.13079; ExAC 0.18689.

Submission:

PreventionGenetics, part of Exact Sciences
Classification: Benign for CARD10-related condition. Last evaluated: 2019-10-21. Review status: no assertion criteria provided. Collection method: clinical testing. Allele origin: germline.
Comment: This variant is classified as benign based on ACMG/AMP sequence variant interpretation guidelines (Richards et al. 2015 PMID: 25741868, with internal and published modifications).

NM_014550.4(CARD10):c.1551T>C (p.Asn517=)

Gene: CARD10 (caspase recruitment domain family member 10; minus strand). Cytogenetic location: 22q13.1.
Variant type: single nucleotide variant.
Coding change: c.1551T>C on transcript NM_014550.4 (MANE Select); coding-DNA position 1551, T replaced by C.
Protein change: p.Asn517=; no amino-acid change (asparagine 517 retained).
Molecular consequence: synonymous variant.
Genome position (GRCh38, 1-based): chr22:37,504,269, A>G on the plus strand (T>C on the coding strand, the complement: CARD10 is on the minus strand). VCF-style: chr22-37504269-A-G. GRCh37 (hg19) VCF-style: chr22-37900276-A-G.
Identifiers: ClinVar variation 3055394 (VCV003055394.2), dbSNP rs3817803, ClinGen allele CA10219806.
Genomic context (GRCh38, chr22:37,504,269, plus strand): 5'-CTCACGCTGCCGGCGGAGGATGGAGCCGGCACTGGGGGGGAAGGGCAGGATGGAGAGCCG[A>G]TTGATCTCCTTTTCACTGTCTGTGGCTTCCTCCTGCAATGCCATGACAGGGCCTGGGTCA-3'
Protein context (NP_055365.2, residues 507-527): EEATDSEKEI[Asn517=]RLSILPFPPS